The following is an entry in ClinVar:

ClinVar aggregate classification (germline): Uncertain significance (1 of 4 stars; one submission).

Conditions:
Inborn genetic diseases. Identifiers: MedGen C0950123, MeSH D030342.

gnomAD v4.1: 2 of 1,614,208 alleles (0.00012%); highest among the groups gnomAD compares: Non-Finnish European, 0.00017%; no homozygotes.

Submission:

Ambry Genetics
Classification: Uncertain significance for Inborn genetic diseases. Last evaluated: 2025-01-20. Review status: criteria provided, single submitter. Criteria: Ambry Variant Classification Scheme 2023. Collection method: clinical testing. Allele origin: germline.
Comment: The p.R124K variant (also known as c.371G>A), located in coding exon 4 of the ETV6 gene, results from a G to A substitution at nucleotide position 371. The arginine at codon 124 is replaced by lysine, an amino acid with highly similar properties. This variant was reported in individual(s) with features consistent with ETV6-related thrombocytopenia (Bluteau O et al. Blood, 2018 Feb;131:717-732). This amino acid position is highly conserved in available vertebrate species. In addition, the in silico prediction for this alteration is inconclusive. Based on the available evidence, the clinical significance of this variant remains unclear.

Literature cited by the submitters: PubMed 29146883.

NM_001987.5(ETV6):c.371G>A (p.Arg124Lys)

Gene: ETV6 (ETS variant transcription factor 6; plus strand). Cytogenetic location: 12p13.2.
Variant type: single nucleotide variant.
Coding change: c.371G>A on transcript NM_001987.5 (MANE Select); coding-DNA position 371, G replaced by A.
Protein change: p.Arg124Lys; replaces arginine 124 with lysine.
Molecular consequence: missense variant.
Genome position (GRCh38, 1-based): chr12:11,853,469, G>A. VCF-style: chr12-11853469-G-A. GRCh37 (hg19) VCF-style: chr12-12006403-G-A.
Other names: c.368G>A, p.Arg123Lys (NM_001413913.1); c.344G>A, p.Arg115Lys (NM_001413914.1); c.107G>A, p.Arg36Lys (NM_001413915.1); c.371G>A, p.Arg124Lys (NM_001413916.1, NM_001413917.1); short protein forms R123K, R115K, R124K, R36K.
Identifiers: ClinVar variation 3846456 (VCV003846456.1).